The following is an entry in ClinVar:

NM_024105.4(ALG12):c.1057G>C (p.Val353Leu)

Gene: ALG12 (ALG12 alpha-1,6-mannosyltransferase; minus strand). Cytogenetic location: 22q13.33.
Variant type: single nucleotide variant.
Coding change: c.1057G>C on transcript NM_024105.4 (MANE Select); coding-DNA position 1057, G replaced by C.
Protein change: p.Val353Leu; replaces valine 353 with leucine.
Molecular consequence: missense variant.
Genome position (GRCh38, 1-based): chr22:49,904,442, C>G on the plus strand (G>C on the coding strand, the complement: ALG12 is on the minus strand). VCF-style: chr22-49904442-C-G. GRCh37 (hg19) VCF-style: chr22-50298090-C-G.
Other names: short protein forms V353L.
Identifiers: ClinVar variation 2813818 (VCV002813818.3), dbSNP rs374327138, ClinGen allele CA412072367.

ClinVar aggregate classification (germline): Uncertain significance (1 of 4 stars; one submission).

Conditions:
ALG12-congenital disorder of glycosylation (CDG1G). Also called: CDG Ig; ALG12-CDG; Congenital disorder of glycosylation, type Ig. Identifiers: Orphanet 79324, MedGen C2931001, MONDO:0011783, OMIM 607143.

Submission:

Labcorp Genetics (formerly Invitae), Labcorp
Classification: Uncertain significance for ALG12-congenital disorder of glycosylation. Last evaluated: 2023-09-20. Review status: criteria provided, single submitter. Criteria: Invitae Variant Classification Sherloc (09022015). Collection method: clinical testing. Allele origin: germline.
Comment: In summary, the available evidence is currently insufficient to determine the role of this variant in disease. Therefore, it has been classified as a Variant of Uncertain Significance. Advanced modeling of protein sequence and biophysical properties (such as structural, functional, and spatial information, amino acid conservation, physicochemical variation, residue mobility, and thermodynamic stability) performed at Invitae indicates that this missense variant is not expected to disrupt ALG12 protein function. This variant has not been reported in the literature in individuals affected with ALG12-related conditions. This variant is not present in population databases (gnomAD no frequency). This sequence change replaces valine, which is neutral and non-polar, with leucine, which is neutral and non-polar, at codon 353 of the ALG12 protein (p.Val353Leu).